The following is an entry in ClinVar:

ClinVar aggregate classification (germline): Likely benign (1 of 4 stars; one submission).

Allele frequency attached by ClinVar (database versions not stated): gnomAD 0.00001.

Submission:

CeGaT Center for Human Genetics Tuebingen
Classification: Likely benign. Last evaluated: 2023-09-01. Review status: criteria provided, single submitter. Criteria: CeGaT Center For Human Genetics Tuebingen Variant Classification Criteria Version 2. Collection method: clinical testing. Allele origin: germline. Affected: yes. Observed: 1 variant allele.
Comment: TM4SF19: BP4, BP7

NC_000003.12:g.196320048T>G

Genes: TM4SF19 (transmembrane 4 L six family member 19; minus strand), TM4SF19-AS1 (TM4SF19 antisense RNA 1; plus strand), TM4SF19-DYNLT2B (TM4SF19-DYNLT2B readthrough (NMD candidate); minus strand). Cytogenetic location: 3q29.
Variant type: single nucleotide variant.
Genome position: GRCh38 VCF-style: chr3-196320048-T-G. GRCh37 (hg19) VCF-style: chr3-196046919-T-G.
Identifiers: ClinVar variation 2654510 (VCV002654510.24), dbSNP rs1187330028, ClinGen allele CA549261070.